The following is an entry in ClinVar:

ClinVar aggregate classification (germline): Uncertain significance. Review status: criteria provided, multiple submitters, no conflicts (2 of 4 stars). 3 submissions from 3 submitters: Uncertain significance (3). Last evaluated 2023-01-01.

Conditions:
Cerebral folate transport deficiency. Also called: NEURODEGENERATION DUE TO CEREBRAL FOLATE TRANSPORT DEFICIENCY; Cerebral folate deficiency syndrome; Neurodegenerative syndrome due to cerebral folate transport deficiency; FOLATE RECEPTOR DEFICIENCY; FOLR1-Related Cerebral Folate Transport Deficiency. Identifiers: Orphanet 217382, MedGen C2751584, MONDO:0013110, OMIM 613068. Disease mechanism: loss of function.
Inborn genetic diseases. Identifiers: MedGen C0950123, MeSH D030342.

Allele frequency attached by ClinVar (database versions not stated): gnomAD exomes 0.00001; TOPMed 0.00001; ExAC 0.00004.
gnomAD v4.1: 21 of 1,614,168 alleles (0.0013%); highest among the groups gnomAD compares: Middle Eastern, 0.016%; no homozygotes.

Submissions (3):

CeGaT Center for Human Genetics Tuebingen
Classification: Uncertain significance. Last evaluated: 2023-01-01. Review status: criteria provided, single submitter. Criteria: CeGaT Center For Human Genetics Tuebingen Variant Classification Criteria Version 2. Collection method: clinical testing. Allele origin: germline. Affected: yes. Observed: 1 variant allele.
Comment: FOLR1: PM2, BP4

Labcorp Genetics (formerly Invitae), Labcorp
Classification: Uncertain significance for Cerebral folate transport deficiency. Last evaluated: 2022-10-19. Review status: criteria provided, single submitter. Criteria: Invitae Variant Classification Sherloc (09022015). Collection method: clinical testing. Allele origin: germline.
Comment: This sequence change replaces glutamine, which is neutral and polar, with lysine, which is basic and polar, at codon 8 of the FOLR1 protein (p.Gln8Lys). This variant is present in population databases (rs770851094, gnomAD 0.02%). This variant has not been reported in the literature in individuals affected with FOLR1-related conditions. Algorithms developed to predict the effect of missense changes on protein structure and function (SIFT, PolyPhen-2, Align-GVGD) all suggest that this variant is likely to be tolerated. In summary, the available evidence is currently insufficient to determine the role of this variant in disease. Therefore, it has been classified as a Variant of Uncertain Significance.

Ambry Genetics
Classification: Uncertain significance for Inborn genetic diseases. Last evaluated: 2019-07-23. Review status: criteria provided, single submitter. Criteria: Ambry Variant Classification Scheme 2023. Collection method: clinical testing. Allele origin: germline.
Comment: The p.Q8K variant (also known as c.22C>A), located in coding exon 1 of the FOLR1 gene, results from a C to A substitution at nucleotide position 22. The glutamine at codon 8 is replaced by lysine, an amino acid with similar properties. This amino acid position is not well conserved in available vertebrate species. In addition, this alteration is predicted to be tolerated by in silico analysis. Since supporting evidence is limited at this time, the clinical significance of this alteration remains unclear.

NM_016729.3(FOLR1):c.22C>A (p.Gln8Lys)

Genes: FOLR1 (folate receptor alpha; plus strand), FOLR1-AS1 (FOLR1 antisense RNA 1; minus strand). Cytogenetic location: 11q13.4.
Variant type: single nucleotide variant.
Coding change: c.22C>A on transcript NM_016729.3 (MANE Select); coding-DNA position 22, C replaced by A.
Protein change: p.Gln8Lys; replaces glutamine 8 with lysine.
Molecular consequence: missense variant.
Genome position (GRCh38, 1-based): chr11:72,192,195, C>A. VCF-style: chr11-72192195-C-A. GRCh37 (hg19) VCF-style: chr11-71903239-C-A.
Other names: c.22C>A, p.Gln8Lys (NM_000802.3, NM_016724.3, NM_016725.3 and 1 more transcripts); short protein forms Q8K.
Identifiers: ClinVar variation 1789252 (VCV001789252.28), dbSNP rs770851094, ClinGen allele CA6169101.